The following is an entry in ClinVar:

NM_001943.5(DSG2):c.780T>G (p.Ile260Met)

Gene: DSG2 (desmoglein 2; plus strand). Cytogenetic location: 18q12.1.
Variant type: single nucleotide variant.
Coding change: c.780T>G on transcript NM_001943.5 (MANE Select); coding-DNA position 780, T replaced by G.
Protein change: p.Ile260Met; replaces isoleucine 260 with methionine.
Molecular consequence: missense variant.
Genome position (GRCh38, 1-based): chr18:31,524,537, T>G. VCF-style: chr18-31524537-T-G. GRCh37 (hg19) VCF-style: chr18-29104500-T-G.
Other names: short protein forms I260M.
Identifiers: ClinVar variation 3071668 (VCV003071668.2), dbSNP rs2144322158, ClinGen allele CA402135147.

ClinVar aggregate classification (germline): Uncertain significance. Review status: criteria provided, multiple submitters, no conflicts (2 of 4 stars). 2 submissions from 2 submitters: Uncertain significance (2). Last evaluated 2026-07-07.

Conditions:
Cardiovascular phenotype. Identifiers: MedGen CN230736.
Arrhythmogenic right ventricular cardiomyopathy (ARVD). Also called: Cardiomyopathy, ARVC; Arrhythmogenic right ventricular dysplasia; Arrhythmogenic cardiomyopathy; Arrhythmogenic Right Ventricular Cardiomyopathy (ARVC). Identifiers: Orphanet 247, MedGen C0349788, MeSH D019571, MONDO:0016587. Disease mechanism: loss of function. Inheritance: Various modes of inheritance.

Allele frequency attached by ClinVar (database versions not stated): gnomAD exomes below 0.00001.
gnomAD v4.1: 6 of 1,614,140 alleles (0.00037%); highest among the groups gnomAD compares: Non-Finnish European, 0.00042%; no homozygotes.

Submissions (2):

Ambry Genetics
Classification: Uncertain significance for Cardiovascular phenotype. Last evaluated: 2026-07-07. Review status: criteria provided, single submitter. Criteria: Ambry Variant Classification Scheme 2023. Collection method: clinical testing. Allele origin: germline.
Comment: The p.I260M variant (also known as c.780T>G), located in coding exon 7 of the DSG2 gene, results from a T to G substitution at nucleotide position 780. The isoleucine at codon 260 is replaced by methionine, an amino acid with highly similar properties. This amino acid position is conserved. In addition, the in silico prediction for this alteration is inconclusive. Based on the available evidence, the clinical significance of this variant remains unclear.

All of Us Research Program, National Institutes of Health
Classification: Uncertain significance for Arrhythmogenic right ventricular cardiomyopathy. Last evaluated: 2023-06-08. Review status: criteria provided, single submitter. Criteria: ACMG Guidelines, 2015. Collection method: clinical testing. Allele origin: germline. Inheritance: Autosomal dominant inheritance. Observed: 1 variant allele, 1 heterozygote.
Comment: This missense variant replaces isoleucine with methionine at codon 260 of the DSG2 protein. Computational prediction is inconclusive regarding the impact of this variant on protein structure and function (internally defined REVEL score threshold 0.5 < inconclusive < 0.7, PMID: 27666373). To our knowledge, functional studies have not been reported for this variant. This variant has not been reported in individuals affected with DSG2-related disorders in the literature. This variant has not been identified in the general population by the Genome Aggregation Database (gnomAD). The available evidence is insufficient to determine the role of this variant in disease conclusively. Therefore, this variant is classified as a Variant of Uncertain Significance.

This study involves interpretation of variants in research participants for the purpose of population health screening. Participant phenotype was not available at the time of variant classification. Additional details can be found in publication PMID: 35346344, PMCID: PMC8962531